The following is an entry in ClinVar:

ClinVar aggregate classification (germline): Pathogenic. Review status: criteria provided, single submitter (1 of 4 stars). 2 submissions from 1 submitter: Pathogenic (2). Last evaluated 2017-04-03.

Conditions:
Hypertrophic cardiomyopathy 26. Also called: Cardiomyopathy, familial hypertrophic, 26. Identifiers: Orphanet 75249, MedGen C4310749, MONDO:0014883, OMIM 617047.
Distal myopathy with posterior leg and anterior hand involvement. Also called: WILLIAMS DISTAL MYOPATHY. Identifiers: Orphanet 63273, MedGen C3279722, MONDO:0013550, OMIM 614065.
Myofibrillar myopathy 5. Also called: Filaminopathy (type); FILAMINOPATHY, AUTOSOMAL DOMINANT. Identifiers: Orphanet 171445, MedGen C1836050, MONDO:0012289, OMIM 609524.
Dilated Cardiomyopathy, Dominant.

Submissions (2):

Labcorp Genetics (formerly Invitae), Labcorp
Classification: Pathogenic. Last evaluated: 2017-04-03. Review status: criteria provided, single submitter. Criteria: Invitae Variant Classification Sherloc (09022015). Collection method: clinical testing. Allele origin: germline.
Comment: This sequence change creates a premature translational stop signal at codon 1013 (p.Cys1013*) of the FLNC gene. It is expected to result in an absent or disrupted protein product. While this particular variant has not been reported in the literature, loss-of-function variants in FLNC are known to be pathogenic (PMID: 15929027). For these reasons, this variant has been classified as Pathogenic.

Labcorp Genetics (formerly Invitae), Labcorp
Classification: Pathogenic for Distal myopathy with posterior leg and anterior hand involvement; Myofibrillar myopathy 5; Hypertrophic cardiomyopathy 26. Last evaluated: 2017-03-22. Review status: criteria provided, single submitter. Criteria: Invitae Variant Classification Sherloc (09022015). Collection method: clinical testing. Allele origin: germline.
Comment: For these reasons, this variant has been classified as Pathogenic. While this particular variant has not been reported in the literature, loss-of-function variants in FLNC are known to be pathogenic (PMID: 15929027). This sequence change creates a premature translational stop signal at codon 1013 (p.Cys1013*) of the FLNC gene. It is expected to result in an absent or disrupted protein product.

Literature cited by the submitters: PubMed 15929027.

NM_001458.5(FLNC):c.3039C>A (p.Cys1013Ter)

Gene: FLNC (filamin C; plus strand). Cytogenetic location: 7q32.1.
Variant type: single nucleotide variant.
Coding change: c.3039C>A on transcript NM_001458.5 (MANE Select); coding-DNA position 3039, C replaced by A.
Protein change: p.Cys1013Ter; replaces cysteine 1013 with a stop codon.
Molecular consequence: nonsense.
Genome position (GRCh38, 1-based): chr7:128,844,113, C>A. VCF-style: chr7-128844113-C-A. GRCh37 (hg19) VCF-style: chr7-128484167-C-A.
Other names: c.3039C>A, p.Cys1013Ter (NM_001127487.2); short protein forms C1013*.
Identifiers: ClinVar variation 478124 (VCV000478124.7), dbSNP rs1554399014, ClinGen allele CA369194055.